The following is an entry in ClinVar:

ClinVar aggregate classification (germline): Benign. Review status: criteria provided, multiple submitters, no conflicts (2 of 4 stars). 2 submissions from 2 submitters: Benign (2). Last evaluated 2024-01-24.

Submissions (2):

Unidad de Genómica Garrahan, Hospital de Pediatría Garrahan
Classification: Benign. Last evaluated: 2024-01-24. Review status: criteria provided, single submitter. Criteria: ACMG Guidelines, 2015. Collection method: clinical testing. Allele origin: germline. Affected: no. Observed: 26 variant alleles.
Comment: This variant is classified as Benign based on local population frequency. This variant was detected in 27% of patients studied by a panel of primary immunodeficiencies. Number of patients: 26. Only high quality variants are reported.

GeneDx
Classification: Benign. Last evaluated: 2019-11-29. Review status: criteria provided, single submitter. Criteria: GeneDx Variant Classification Process June 2021. Collection method: clinical testing. Allele origin: germline. Affected: yes.

NM_014140.4(SMARCAL1):c.811+37_811+38del

Gene: SMARCAL1 (SNF2 related chromatin remodeling annealing helicase 1; plus strand). Cytogenetic location: 2q35.
Variant type: Deletion.
Coding change: c.811+37_811+38del on transcript NM_014140.4 (MANE Select); bases 37 to 38 of the intron after coding-DNA position 811, 2 bases deleted (TT; older notation c.811+37_811+38delTT).
Molecular consequence: intron variant.
Genome position (GRCh38, 1-based): chr2:216,415,552-216,415,553, TT deleted; deleting any 2 consecutive bases within chr2:216,415,539-216,415,553 gives the same sequence; the c. name uses the placement nearest the transcript's 3' end. VCF-style (leftmost placement, unchanged base first): chr2-216415538-GTT-G. GRCh37 (hg19) VCF-style: chr2-217280261-GTT-G.
Other names: c.811+37_811+38del (NM_001127207.2).
Identifiers: ClinVar variation 1221572 (VCV001221572.5), dbSNP rs5838583, ClinGen allele CA2097669.